The following is an entry in ClinVar:

ClinVar aggregate classification (germline): Conflicting classifications of pathogenicity. Review status: criteria provided, conflicting classifications (1 of 4 stars). 2 submissions from 2 submitters: Uncertain significance (1); Benign (1). Last evaluated 2024-03-07.

Conditions:
Cardiovascular phenotype. Identifiers: MedGen CN230736.

Allele frequency attached by ClinVar (database versions not stated): ESP Exome Variant Server 0.00008.
gnomAD v4.1: 31 of 1,612,512 alleles (0.0019%); highest among the groups gnomAD compares: Middle Eastern, 0.018%; no homozygotes.

Submissions (2):

Ambry Genetics
Classification: Benign for Cardiovascular phenotype. Last evaluated: 2024-03-07. Review status: criteria provided, single submitter. Criteria: Ambry Variant Classification Scheme 2023. Collection method: clinical testing. Allele origin: germline.

Labcorp Genetics (formerly Invitae), Labcorp
Classification: Uncertain significance. Last evaluated: 2022-06-23. Review status: criteria provided, single submitter. Criteria: Invitae Variant Classification Sherloc (09022015). Collection method: clinical testing. Allele origin: germline.
Comment: This sequence change replaces arginine, which is basic and polar, with histidine, which is basic and polar, at codon 337 of the PRDM5 protein (p.Arg337His). This variant is present in population databases (rs140554156, gnomAD 0.03%). This variant has not been reported in the literature in individuals affected with PRDM5-related conditions. Algorithms developed to predict the effect of missense changes on protein structure and function (SIFT, PolyPhen-2, Align-GVGD) all suggest that this variant is likely to be disruptive. In summary, the available evidence is currently insufficient to determine the role of this variant in disease. Therefore, it has been classified as a Variant of Uncertain Significance.

NM_018699.4(PRDM5):c.1010G>A (p.Arg337His)

Gene: PRDM5 (PR/SET domain 5; minus strand). Cytogenetic location: 4q27.
Variant type: single nucleotide variant.
Coding change: c.1010G>A on transcript NM_018699.4 (MANE Select); coding-DNA position 1010, G replaced by A.
Protein change: p.Arg337His; replaces arginine 337 with histidine.
Molecular consequence: missense variant.
Genome position (GRCh38, 1-based): chr4:120,799,681, C>T on the plus strand (G>A on the coding strand, the complement: PRDM5 is on the minus strand). VCF-style: chr4-120799681-C-T. GRCh37 (hg19) VCF-style: chr4-121720836-C-T.
Other names: c.917G>A, p.Arg306His (NM_001300823.2, NM_001300824.2, NM_001379106.1); c.1010G>A, p.Arg337His (NM_001379104.1); short protein forms R306H, R337H.
Identifiers: ClinVar variation 1727940 (VCV001727940.4), dbSNP rs140554156, ClinGen allele CA3061194.
Genomic context (GRCh38, chr4:120,799,681, plus strand): 5'-GTAATGATATCACTATAAACAAAAAAAGTATATAGTTTACCTGAGTGGGTGATCATATGA[C>T]GTTTTAGCTGATTAGCTGAAATAAATTTCTTCATACATTCTTGACAATCAAATATCTCAT-3'
Protein context (NP_061169.2, residues 327-347): KKFISANQLK[Arg337His]HMITHSEKRP